The following is an entry in ClinVar:

NM_006767.4(LZTR1):c.1171del (p.His391fs)

Gene: LZTR1 (leucine zipper like post translational regulator 1; plus strand). Cytogenetic location: 22q11.21.
Variant type: Deletion.
Coding change: c.1171del on transcript NM_006767.4 (MANE Select); coding-DNA position 1171, one base deleted (C; older notation c.1171delC).
Protein change: p.His391fs; shifts the reading frame from histidine 391.
Molecular consequence: frameshift variant.
Genome position (GRCh38, 1-based): chr22:20,992,815, C deleted; the last of 2 consecutive C bases (chr22:20,992,814-20,992,815); deleting either gives the same sequence. VCF-style (leftmost placement, unchanged base first): chr22-20992813-TC-T. GRCh37 (hg19) VCF-style: chr22-21347102-TC-T.
Other names: short protein forms H391fs.
Identifiers: ClinVar variation 2447701 (VCV002447701.2), dbSNP rs2518618764, ClinGen allele CA2580099238.

ClinVar aggregate classification (germline): Pathogenic (1 of 4 stars; one submission).

Conditions:
Cardiovascular phenotype. Identifiers: MedGen CN230736.
Hereditary cancer-predisposing syndrome. Also called: Neoplastic Syndromes, Hereditary; Hereditary Cancer Syndrome; Tumor predisposition; Hereditary neoplastic syndrome. Identifiers: Orphanet 140162, MedGen C0027672, MeSH D009386, MONDO:0015356.

Submission:

Ambry Genetics
Classification: Pathogenic for Cardiovascular phenotype; Hereditary cancer-predisposing syndrome. Last evaluated: 2022-11-30. Review status: criteria provided, single submitter. Criteria: Ambry Variant Classification Scheme 2023. Collection method: clinical testing. Allele origin: germline.
Comment: The c.1171delC pathogenic mutation, located in coding exon 11 of the LZTR1 gene, results from a deletion of one nucleotide at nucleotide position 1171, causing a translational frameshift with a predicted alternate stop codon (p.H391Tfs*70). This alteration is expected to result in loss of function by premature protein truncation or nonsense-mediated mRNA decay. This variant is considered to be rare based on population cohorts in the Genome Aggregation Database (gnomAD). Based on the supporting evidence, this variant is pathogenic for an increased risk of LZTR1-related schwannomatosis (SWN) and would be expected to cause autosomal recessive Noonan syndrome when present along with a second pathogenic or likely pathogenic variant on the other allele; however, the association of this alteration with autosomal dominant Noonan syndrome is unlikely.